The following is an entry in ClinVar:

ClinVar aggregate classification (germline): Benign. Review status: criteria provided, single submitter (1 of 4 stars). 2 submissions from 2 submitters: Benign (1). 1 of the submissions does not count toward it. Last evaluated 2026-05-06.

Conditions:
Colorectal cancer, hereditary nonpolyposis, type 7. Identifiers: Orphanet 144, MedGen C1858380, MONDO:0013725, OMIM 614385.
MLH3-related disorder. Also called: MLH3-related condition.

Allele frequency attached by ClinVar (database versions not stated): 1000 Genomes Project 30x 0.00016; ESP Exome Variant Server 0.00008; 1000 Genomes Project 0.00020; ExAC 0.00003.
gnomAD v4.1: 90 of 1,613,688 alleles (0.0056%); highest among the groups gnomAD compares: Non-Finnish European, 0.0072%; no homozygotes.

Submissions (2):

Myriad Genetics, Inc.
Classification: Benign for Colorectal cancer, hereditary nonpolyposis, type 7. Last evaluated: 2026-05-06. Review status: criteria provided, single submitter. Criteria: Myriad Autosomal Dominant, Autosomal Recessive and X-Linked Classification Criteria (2023). Collection method: clinical testing. Allele origin: unknown.
Comment: This variant is considered benign. This variant occurs in the non-coding 3' untranslated region of the gene, and is not expected to impact protein function.

PreventionGenetics, part of Exact Sciences
Classification: Likely benign for MLH3-related condition. Last evaluated: 2023-03-02. Review status: no assertion criteria provided. Collection method: clinical testing. Allele origin: germline. Not counted in ClinVar's aggregate classification.
Comment: This variant is classified as likely benign based on ACMG/AMP sequence variant interpretation guidelines (Richards et al. 2015 PMID: 25741868, with internal and published modifications).

NM_001040108.2(MLH3):c.*7A>T

Gene: MLH3 (mutL homolog 3; minus strand). Cytogenetic location: 14q24.3.
Variant type: single nucleotide variant.
Coding change: c.*7A>T on transcript NM_001040108.2 (MANE Select); 7 bases downstream of the stop codon, A replaced by T.
Molecular consequence: 3 prime UTR variant.
Genome position (GRCh38, 1-based): chr14:75,017,075, T>A on the plus strand (A>T on the coding strand, the complement: MLH3 is on the minus strand). VCF-style: chr14-75017075-T-A. GRCh37 (hg19) VCF-style: chr14-75483778-T-A.
Other names: c.*7A>T (NM_014381.3).
Identifiers: ClinVar variation 3029938 (VCV003029938.3), dbSNP rs200989192, ClinGen allele CA7275154.
Genomic context (GRCh38, chr14:75,017,075, plus strand): 5'-TGCTGCTCTCTGCTCAGAGGCATACAGTGAACATCCCTTTGTTCCTTTTAGACCAGTGAT[T>A]CTGTTCTCATGGTGGCTCACAGGGAGGCATGGATTGCTGCAGGCTCTGCCTTGTATCACA-3'